The following is an entry in ClinVar:

NM_005101.4(ISG15):c.62G>A (p.Ser21Asn)

Gene: ISG15 (ISG15 ubiquitin like modifier; plus strand). Cytogenetic location: 1p36.33.
Variant type: single nucleotide variant.
Coding change: c.62G>A on transcript NM_005101.4 (MANE Select); coding-DNA position 62, G replaced by A.
Protein change: p.Ser21Asn; replaces serine 21 with asparagine.
Molecular consequence: missense variant.
Genome position (GRCh38, 1-based): chr1:1,014,042, G>A. VCF-style: chr1-1014042-G-A. GRCh37 (hg19) VCF-style: chr1-949422-G-A.
Other names: p.Ser21Asn; c.62G>A, p.Ser21Asn (LRG_1231t1); short protein forms S21N.
Identifiers: ClinVar variation 475283 (VCV000475283.14), dbSNP rs143888043, ClinGen allele CA507602.

ClinVar aggregate classification (germline): Benign/Likely benign. Review status: criteria provided, multiple submitters, no conflicts (2 of 4 stars). 3 submissions from 3 submitters: Benign (2); Likely benign (1). Last evaluated 2026-01-25.

Conditions:
Mendelian susceptibility to mycobacterial diseases due to complete ISG15 deficiency. Also called: Immunodeficiency 38; IMMUNODEFICIENCY 38, MYCOBACTERIOSIS, AUTOSOMAL RECESSIVE; ISG15 DEFICIENCY, AUTOSOMAL RECESSIVE; Immunodeficiency 38 with basal ganglia calcification. Identifiers: Orphanet 319563, MedGen C4015293, MONDO:0014502, OMIM 616126.

Allele frequency attached by ClinVar (database versions not stated): gnomAD exomes 0.00047 and 0.00131; ExAC 0.00165; gnomAD 0.00459 and 0.00489; TOPMed 0.00538; ESP Exome Variant Server 0.00546; 1000 Genomes Project 0.00619; 1000 Genomes Project 30x 0.00671.

Submissions (3):

Labcorp Genetics (formerly Invitae), Labcorp
Classification: Benign for Mendelian susceptibility to mycobacterial diseases due to complete ISG15 deficiency. Last evaluated: 2026-01-25. Review status: criteria provided, single submitter. Criteria: Invitae Variant Classification Sherloc (09022015). Collection method: clinical testing. Allele origin: germline.

Mayo Clinic Laboratories, Mayo Clinic
Classification: Likely benign. Last evaluated: 2025-01-20. Review status: criteria provided, single submitter. Criteria: ACMG Guidelines, 2015. Collection method: clinical testing. Allele origin: germline. Observed: 2 variant alleles.
Comment: BS1, BP4_moderate

Breakthrough Genomics
Classification: Benign. Review status: criteria provided, single submitter. Criteria: ACMG Guidelines, 2015. Collection method: not provided. Allele origin: germline. Inheritance: Autosomal recessive inheritance. Affected: yes.